The following is an entry in ClinVar:

NM_015311.3(OBSL1):c.2278G>A (p.Glu760Lys)

Gene: OBSL1 (obscurin like cytoskeletal adaptor 1; minus strand). Cytogenetic location: 2q35.
Variant type: single nucleotide variant.
Coding change: c.2278G>A on transcript NM_015311.3 (MANE Select); coding-DNA position 2278, G replaced by A.
Protein change: p.Glu760Lys; replaces glutamic acid 760 with lysine.
Molecular consequence: missense variant.
Genome position (GRCh38, 1-based): chr2:219,565,371, C>T on the plus strand (G>A on the coding strand, the complement: OBSL1 is on the minus strand). VCF-style: chr2-219565371-C-T. GRCh37 (hg19) VCF-style: chr2-220430093-C-T.
Other names: c.2278G>A (NM_015311.2); c.2278G>A, p.Glu760Lys (NM_001173408.2, NM_001173431.2); short protein forms E760K.
Identifiers: ClinVar variation 1377742 (VCV001377742.8), dbSNP rs372464544, ClinGen allele CA2131279.

ClinVar aggregate classification (germline): Uncertain significance. Review status: criteria provided, multiple submitters, no conflicts (2 of 4 stars). 2 submissions from 2 submitters: Uncertain significance (2). Last evaluated 2025-08-05.

Conditions:
Inborn genetic diseases. Identifiers: MedGen C0950123, MeSH D030342.

Allele frequency attached by ClinVar (database versions not stated): gnomAD 0.00001 and 0.00003; TOPMed 0.00004; gnomAD exomes 0.00006 and 0.00007; ExAC 0.00007; ESP Exome Variant Server 0.00008.
gnomAD v4.1: 91 of 1,613,934 alleles (0.0056%); highest among the groups gnomAD compares: East Asian, 0.16%; 1 homozygote.

Submissions (2):

Ambry Genetics
Classification: Uncertain significance for Inborn genetic diseases. Last evaluated: 2025-08-05. Review status: criteria provided, single submitter. Criteria: Ambry Variant Classification Scheme 2023. Collection method: clinical testing. Allele origin: germline.

Labcorp Genetics (formerly Invitae), Labcorp
Classification: Uncertain significance. Last evaluated: 2022-03-31. Review status: criteria provided, single submitter. Criteria: Invitae Variant Classification Sherloc (09022015). Collection method: clinical testing. Allele origin: germline.
Comment: In summary, the available evidence is currently insufficient to determine the role of this variant in disease. Therefore, it has been classified as a Variant of Uncertain Significance. Algorithms developed to predict the effect of missense changes on protein structure and function are either unavailable or do not agree on the potential impact of this missense change (SIFT: "Deleterious"; PolyPhen-2: "Benign"; Align-GVGD: "Class C0"). This variant has not been reported in the literature in individuals affected with OBSL1-related conditions. This variant is present in population databases (rs372464544, gnomAD 0.06%). This sequence change replaces glutamic acid, which is acidic and polar, with lysine, which is basic and polar, at codon 760 of the OBSL1 protein (p.Glu760Lys).